The following is an entry in ClinVar:

ClinVar aggregate classification (germline): Uncertain significance (1 of 4 stars; one submission).

gnomAD v4.1: 4 of 1,613,988 alleles (0.00025%); highest among the groups gnomAD compares: Non-Finnish European, 0.00034%; no homozygotes.

Submission:

Mayo Clinic Laboratories, Mayo Clinic
Classification: Uncertain significance. Last evaluated: 2023-12-14. Review status: criteria provided, single submitter. Criteria: ACMG Guidelines, 2015. Collection method: clinical testing. Allele origin: germline. Observed: 1 variant allele.
Comment: PM1, PM2_moderate

NM_022788.5(P2RY12):c.227C>T (p.Thr76Ile)

Genes: MED12L (mediator complex subunit 12L; plus strand), P2RY12 (purinergic receptor P2Y12; minus strand). Cytogenetic location: 3q25.1.
Variant type: single nucleotide variant.
Coding change: c.227C>T on transcript NM_022788.5 (MANE Select); coding-DNA position 227, C replaced by T.
Protein change: p.Thr76Ile; replaces threonine 76 with isoleucine.
Molecular consequence: missense variant. On other transcripts: intron variant (2).
Genome position (GRCh38, 1-based): chr3:151,338,619, G>A on the plus strand (C>T on the coding strand, the complement: P2RY12 is on the minus strand). VCF-style: chr3-151338619-G-A. GRCh37 (hg19) VCF-style: chr3-151056407-G-A.
Other names: p.Thr76Ile; c.227C>T, p.Thr76Ile (NM_176876.3); c.2251-11440G>A (NM_001393769.1); c.2146-11440G>A (NM_053002.6); short protein forms T76I.
Identifiers: ClinVar variation 3379508 (VCV003379508.1).
Genomic context (GRCh38, chr3:151,338,619, plus strand): 5'-ACAAAAGTTCTCAGTGGTCCTGTTCCCAGTTTGGCATCACTAAGAATTTTGAATGGAAAA[G>A]TCAGAATCATGAGAAGATCAGAAATGACTGTGTTCTTAAGAAAAATAATAAAGTTTGATT-3'
Protein context (NP_073625.1, residues 66-86): TVISDLLMIL[Thr76Ile]FPFKILSDAK